The following is an entry in ClinVar:

ClinVar aggregate classification (germline): Uncertain significance (1 of 4 stars; one submission).

Allele frequency attached by ClinVar (database versions not stated): gnomAD exomes below 0.00001; TOPMed below 0.00001; gnomAD 0.00001.
gnomAD v4.1: 2 of 1,614,086 alleles (0.00012%); highest among the groups gnomAD compares: Non-Finnish European, 0.00017%; no homozygotes.

Submission:

Labcorp Genetics (formerly Invitae), Labcorp
Classification: Uncertain significance. Last evaluated: 2022-12-06. Review status: criteria provided, single submitter. Criteria: Invitae Variant Classification Sherloc (09022015). Collection method: clinical testing. Allele origin: germline.
Comment: In summary, the available evidence is currently insufficient to determine the role of this variant in disease. Therefore, it has been classified as a Variant of Uncertain Significance. Advanced modeling of protein sequence and biophysical properties (such as structural, functional, and spatial information, amino acid conservation, physicochemical variation, residue mobility, and thermodynamic stability) performed at Invitae indicates that this missense variant is expected to disrupt MTHFD1 protein function. This variant has not been reported in the literature in individuals affected with MTHFD1-related conditions. This variant is not present in population databases (gnomAD no frequency). This sequence change replaces glycine, which is neutral and non-polar, with glutamic acid, which is acidic and polar, at codon 230 of the MTHFD1 protein (p.Gly230Glu).

NM_005956.4(MTHFD1):c.689G>A (p.Gly230Glu)

Gene: MTHFD1 (methylenetetrahydrofolate dehydrogenase, cyclohydrolase and formyltetrahydrofolate synthetase 1; plus strand). Cytogenetic location: 14q23.3.
Variant type: single nucleotide variant.
Coding change: c.689G>A on transcript NM_005956.4 (MANE Select); coding-DNA position 689, G replaced by A.
Protein change: p.Gly230Glu; replaces glycine 230 with glutamic acid.
Molecular consequence: missense variant.
Genome position (GRCh38, 1-based): chr14:64,419,887, G>A. VCF-style: chr14-64419887-G-A. GRCh37 (hg19) VCF-style: chr14-64886605-G-A.
Other names: c.689G>A, p.Gly230Glu (NM_001364837.1); short protein forms G230E.
Identifiers: ClinVar variation 1922408 (VCV001922408.5), dbSNP rs1596541234, ClinGen allele CA389979265.